The following is an entry in ClinVar:

ClinVar aggregate classification (germline): Likely benign (0 of 4 stars; one submission).

Conditions:
RAB12-related disorder. Also called: RAB12-related condition.

Allele frequency attached by ClinVar (database versions not stated): ExAC 0.00024; TOPMed 0.00033; gnomAD 0.00040; ESP Exome Variant Server 0.00042; gnomAD exomes 0.00044.
gnomAD v4.1: 718 of 1,600,862 alleles (0.045%); highest among the groups gnomAD compares: Non-Finnish European, 0.055%; no homozygotes.

Submission:

PreventionGenetics, part of Exact Sciences
Classification: Likely benign for RAB12-related condition. Last evaluated: 2019-09-25. Review status: no assertion criteria provided. Collection method: clinical testing. Allele origin: germline.
Comment: This variant is classified as likely benign based on ACMG/AMP sequence variant interpretation guidelines (Richards et al. 2015 PMID: 25741868, with internal and published modifications).

NM_001025300.3(RAB12):c.564A>G (p.Arg188=)

Gene: RAB12 (RAB12, member RAS oncogene family; plus strand). Cytogenetic location: 18p11.22.
Variant type: single nucleotide variant.
Coding change: c.564A>G on transcript NM_001025300.3 (MANE Select); coding-DNA position 564, A replaced by G.
Protein change: p.Arg188=; no amino-acid change (arginine 188 retained).
Molecular consequence: synonymous variant.
Genome position (GRCh38, 1-based): chr18:8,624,987, A>G. VCF-style: chr18-8624987-A-G. GRCh37 (hg19) VCF-style: chr18-8624985-A-G.
Identifiers: ClinVar variation 3040500 (VCV003040500.2), dbSNP rs372618073, ClinGen allele CA8885215.
Genomic context (GRCh38, chr18:8,624,987, plus strand): 5'-TTTATTTACAGGTGTTGACTTCAAAATCAAAACTGTAGAGCTAAGAGGAAAGAAAATTAG[A>G]TTACAGATCTGGTAAGTGGGAGAGTGTGCACCCAGTAATGTGCTGTGTGTGTTTAACAGT-3'
Protein context (NP_001020471.3, residues 178-198): KTVELRGKKI[Arg188=]LQIWDTAGQE